The following is an entry in ClinVar:

NM_005994.4(TBX2):c.1606G>C (p.Gly536Arg)

Gene: TBX2 (T-box transcription factor 2; plus strand). Cytogenetic location: 17q23.2.
Variant type: single nucleotide variant.
Coding change: c.1606G>C on transcript NM_005994.4 (MANE Select); coding-DNA position 1606, G replaced by C.
Protein change: p.Gly536Arg; replaces glycine 536 with arginine.
Molecular consequence: missense variant.
Genome position (GRCh38, 1-based): chr17:61,405,756, G>C. VCF-style: chr17-61405756-G-C. GRCh37 (hg19) VCF-style: chr17-59483117-G-C.
Other names: c.1606G>C (NM_005994.3); short protein forms G536R.
Identifiers: ClinVar variation 1358161 (VCV001358161.8), dbSNP rs760926920, ClinGen allele CA8689391.
Genomic context (GRCh38, chr17:61,405,756, plus strand): 5'-GCAGGCGGCGGCAACGGCGGAGGTGGCGGGCCTGGGACCGCCGCGGGGCTGGACGCAGGC[G>C]GGCTGGGTCCCGCGGCCAGCGCAGCAAGCACCGCCGCGCCCTTCCCGTTCCACCTCTCCC-3'
Protein context (NP_005985.3, residues 526-546): PGTAAGLDAG[Gly536Arg]LGPAASAAST

ClinVar aggregate classification (germline): Uncertain significance. Review status: criteria provided, multiple submitters, no conflicts (2 of 4 stars). 4 submissions from 4 submitters: Uncertain significance (3). 1 of the submissions does not count toward it. Last evaluated 2024-08-14.

Conditions:
TBX2-related disorder. Also called: TBX2-related condition.

Allele frequency attached by ClinVar (database versions not stated): gnomAD exomes 0.00019 and 0.00022; gnomAD 0.00030; 1000 Genomes Project 30x 0.00031; ExAC 0.00062.
gnomAD v4.1: 339 of 1,340,046 alleles (0.025%); highest among the groups gnomAD compares: Middle Eastern, 0.15%; no homozygotes.

Submissions (4):

Ambry Genetics
Classification: Uncertain significance. Last evaluated: 2024-08-14. Review status: criteria provided, single submitter. Criteria: Ambry Variant Classification Scheme 2023. Collection method: clinical testing. Allele origin: germline.

Labcorp Genetics (formerly Invitae), Labcorp
Classification: Uncertain significance. Last evaluated: 2022-10-15. Review status: criteria provided, single submitter. Criteria: Invitae Variant Classification Sherloc (09022015). Collection method: clinical testing. Allele origin: germline.
Comment: This sequence change replaces glycine, which is neutral and non-polar, with arginine, which is basic and polar, at codon 536 of the TBX2 protein (p.Gly536Arg). This variant is present in population databases (rs760926920, gnomAD 0.5%). This variant has not been reported in the literature in individuals affected with TBX2-related conditions. ClinVar contains an entry for this variant (Variation ID: 1358161). Algorithms developed to predict the effect of missense changes on protein structure and function (SIFT, PolyPhen-2, Align-GVGD) all suggest that this variant is likely to be tolerated. In summary, the available evidence is currently insufficient to determine the role of this variant in disease. Therefore, it has been classified as a Variant of Uncertain Significance.

Breakthrough Genomics
Classification: Uncertain significance. Review status: criteria provided, single submitter. Criteria: ACMG Guidelines, 2015. Collection method: not provided. Allele origin: germline. Inheritance: Autosomal dominant inheritance. Affected: yes.

PreventionGenetics, part of Exact Sciences
Classification: Benign for TBX2-related condition. Last evaluated: 2019-07-22. Review status: no assertion criteria provided. Collection method: clinical testing. Allele origin: germline. Not counted in ClinVar's aggregate classification.
Comment: This variant is classified as benign based on ACMG/AMP sequence variant interpretation guidelines (Richards et al. 2015 PMID: 25741868, with internal and published modifications).